The following is an entry in ClinVar:

NM_000051.4(ATM):c.2101del (p.Leu701fs)

Gene: ATM (ATM serine/threonine kinase; plus strand). Cytogenetic location: 11q22.3.
Variant type: Deletion.
Coding change: c.2101del on transcript NM_000051.4 (MANE Select); coding-DNA position 2101, one base deleted (C; older notation c.2101delC).
Protein change: p.Leu701fs; shifts the reading frame from leucine 701.
Molecular consequence: frameshift variant.
Genome position (GRCh38, 1-based): chr11:108,254,016, C deleted. VCF-style (leftmost placement, unchanged base first): chr11-108254015-GC-G. GRCh37 (hg19) VCF-style: chr11-108124742-GC-G.
Other names: c.2101del, p.Leu701fs (NM_001351834.2); short protein forms L701fs.
Identifiers: ClinVar variation 3148575 (VCV003148575.1), dbSNP rs2497318451, ClinGen allele CA2825001785.

ClinVar aggregate classification (germline): Pathogenic (1 of 4 stars; one submission).

Conditions:
Familial cancer of breast. Also called: BREAST CANCER, FAMILIAL; Hereditary breast cancer; hereditary breast carcinoma. Identifiers: Orphanet 227535, MedGen C0346153, MONDO:0016419, OMIM 114480. Disease mechanism: loss of function.

Submission:

Myriad Genetics, Inc.
Classification: Pathogenic for Familial cancer of breast. Last evaluated: 2024-01-17. Review status: criteria provided, single submitter. Criteria: Myriad Autosomal Dominant, Autosomal Recessive and X-Linked Classification Criteria (2023). Collection method: clinical testing. Allele origin: unknown.
Comment: This variant is considered pathogenic. This variant creates a frameshift predicted to result in premature protein truncation.